The following is an entry in ClinVar:

NM_001145809.2(MYH14):c.975C>T (p.Ala325=)

Gene: MYH14 (myosin heavy chain 14; plus strand). Cytogenetic location: 19q13.33.
Variant type: single nucleotide variant.
Coding change: c.975C>T on transcript NM_001145809.2 (MANE Select); coding-DNA position 975, C replaced by T.
Protein change: p.Ala325=; no amino-acid change (alanine 325 retained).
Molecular consequence: synonymous variant.
Genome position (GRCh38, 1-based): chr19:50,231,931, C>T. VCF-style: chr19-50231931-C-T. GRCh37 (hg19) VCF-style: chr19-50735188-C-T.
Other names: c.975C>T, p.Ala325= (NM_001077186.2); c.951C>T, p.Ala317= (NM_024729.4).
Identifiers: ClinVar variation 227583 (VCV000227583.10), dbSNP rs553878240, ClinGen allele CA9592468.

ClinVar aggregate classification (germline): Conflicting classifications of pathogenicity. Review status: criteria provided, conflicting classifications (1 of 4 stars). 5 submissions from 5 submitters: Uncertain significance (1); Likely benign (4). Last evaluated 2026-07-08.

Conditions:
MYH14-related disorder. Also called: MYH14-related condition.

Allele frequency attached by ClinVar (database versions not stated): gnomAD exomes 0.00001 and 0.00002; ExAC 0.00003; gnomAD 0.00004 and 0.00005; TOPMed 0.00010; 1000 Genomes Project 0.00040; 1000 Genomes Project 30x 0.00047.
gnomAD v4.1: 28 of 1,613,930 alleles (0.0017%); highest among the groups gnomAD compares: Admixed American, 0.017%; 1 homozygote.

Submissions (5):

PreventionGenetics, part of Exact Sciences
Classification: Likely benign for MYH14-related condition. Last evaluated: 2026-07-08. Review status: criteria provided, single submitter. Criteria: ACMG Guidelines, 2015. Collection method: clinical testing. Allele origin: germline.
Comment: This variant is classified as likely benign based on ACMG/AMP sequence variant interpretation guidelines (Richards et al. 2015 PMID: 25741868, with internal and published modifications).

Labcorp Genetics (formerly Invitae), Labcorp
Classification: Likely benign. Last evaluated: 2025-11-11. Review status: criteria provided, single submitter. Criteria: Invitae Variant Classification Sherloc (09022015). Collection method: clinical testing. Allele origin: germline.

Women's Health and Genetics/Laboratory Corporation of America, LabCorp
Classification: Uncertain significance. Last evaluated: 2025-05-06. Review status: criteria provided, single submitter. Criteria: LabCorp Variant Classification Summary - May 2015. Collection method: clinical testing. Allele origin: germline.
Comment: Variant summary: MYH14 c.951C>T (p.Ala317Ala) alters a conserved nucleotide located close to a canonical splice site and therefore could affect mRNA splicing, leading to a significantly altered protein sequence. Consensus agreement among computation tools predict no significant impact on normal splicing. However, these predictions have yet to be confirmed by functional studies. The variant allele was found at a frequency of 2e-05 in 248676 control chromosomes. The available data on variant occurrences in the general population are insufficient to allow any conclusion about variant significance. To our knowledge, no occurrence of c.951C>T in individuals affected with Autosomal dominant nonsyndromic hearing loss 4A and no experimental evidence demonstrating its impact on protein function have been reported. ClinVar contains an entry for this variant (Variation ID: 227583). Based on the evidence outlined above, the variant was classified as uncertain significance.

Blueprint Genetics
Classification: Likely benign. Last evaluated: 2021-01-21. Review status: criteria provided, single submitter. Criteria: ACMG Guidelines, 2015. Collection method: clinical testing. Allele origin: germline.

Laboratory for Molecular Medicine, Mass General Brigham Personalized Medicine
Classification: Likely benign. Last evaluated: 2016-02-18. Review status: criteria provided, single submitter. Criteria: LMM Criteria. Collection method: clinical testing. Allele origin: germline. Observed: 1 variant allele.
Comment: p.Ala325Ala in exon 10 of MYH14: This variant is not expected to have clinical s ignificance because it does not alter an amino acid residue and is not located w ithin the splice consensus sequence. It has been identified in 2/66494 of Europe an chromosomes by the Exome Aggregation Consortium (ExAC; dbSNP rs553878240).